The following is an entry in ClinVar:

NM_000179.3(MSH6):c.3654_3657del (p.Thr1219fs)

Gene: MSH6 (mutS homolog 6; plus strand). Cytogenetic location: 2p16.3.
Variant type: Deletion.
Coding change: c.3654_3657del on transcript NM_000179.3 (MANE Select); coding-DNA positions 3654 to 3657, 4 bases deleted (TACT; older notation c.3654_3657delTACT).
Protein change: p.Thr1219fs; shifts the reading frame from threonine 1219.
Molecular consequence: frameshift variant.
Genome position (GRCh38, 1-based): chr2:47,806,211-47,806,214, TACT deleted. VCF-style (leftmost placement, unchanged base first): chr2-47806210-GTACT-G. GRCh37 (hg19) VCF-style: chr2-48033349-GTACT-G.
Other names: c.3654_3657delTACT, p.Thr1219Glnfs (NM_000179.2, NM_001406796.1, NM_001406800.1 and 2 more transcripts); c.3264_3267del, p.Thr1089fs (NM_001281492.2); c.2748_2751del, p.Thr917fs (NM_001281493.2, NM_001281494.2); c.3750_3753delTACT, p.Thr1251Glnfs (NM_001406795.1, NM_001406802.1); c.3357_3360delTACT, p.Thr1120Glnfs (NM_001406797.1, NM_001406801.1, NM_001406805.1 and 10 more transcripts); c.3480_3483delTACT, p.Thr1161Glnfs (NM_001406798.1); c.3129_3132delTACT, p.Thr1044Glnfs (NM_001406799.1, NM_001406806.1, NM_001406807.1); c.2790_2793delTACT, p.Thr931Glnfs (NM_001406803.1); and 9 more; short protein forms T1089fs, T1219fs, T917fs.
Identifiers: ClinVar variation 2076214 (VCV002076214.7), dbSNP rs2530837788, ClinGen allele CA2580067275.

ClinVar aggregate classification (germline): Pathogenic/Likely pathogenic. Review status: criteria provided, multiple submitters, no conflicts (2 of 4 stars). 4 submissions from 4 submitters: Pathogenic (3); Likely pathogenic (1). Last evaluated 2025-10-13.

Conditions:
Hereditary cancer-predisposing syndrome. Also called: Hereditary Cancer Syndrome; Tumor predisposition; Hereditary neoplastic syndrome; Neoplastic Syndromes, Hereditary. Identifiers: Orphanet 140162, MedGen C0027672, MeSH D009386, MONDO:0015356.
Hereditary nonpolyposis colorectal neoplasms. Identifiers: MedGen C0009405, MeSH D003123.
Lynch syndrome. Identifiers: Orphanet 144, MedGen C4552100, MONDO:0005835. Disease mechanism: loss of function.

Submissions (4):

Labcorp Genetics (formerly Invitae), Labcorp
Classification: Pathogenic for Hereditary nonpolyposis colorectal neoplasms. Last evaluated: 2025-10-13. Review status: criteria provided, single submitter. Criteria: Invitae Variant Classification Sherloc (09022015). Collection method: clinical testing. Allele origin: germline.
Comment: This sequence change creates a premature translational stop signal (p.Thr1219Glnfs*8) in the MSH6 gene. It is expected to result in an absent or disrupted protein product. Loss-of-function variants in MSH6 are known to be pathogenic (PMID: 18269114, 24362816). This variant is not present in population databases (gnomAD no frequency). This variant has not been reported in the literature in individuals affected with MSH6-related conditions. ClinVar contains an entry for this variant (Variation ID: 2076214). For these reasons, this variant has been classified as Pathogenic.

Ambry Genetics
Classification: Pathogenic for Hereditary cancer-predisposing syndrome. Last evaluated: 2025-03-04. Review status: criteria provided, single submitter. Criteria: Ambry Variant Classification Scheme 2023. Collection method: clinical testing. Allele origin: germline.
Comment: The c.3654_3657delTACT pathogenic mutation, located in coding exon 8 of the MSH6 gene, results from a deletion of 4 nucleotides at nucleotide positions 3654 to 3657, causing a translational frameshift with a predicted alternate stop codon (p.T1219Qfs*8). This variant is considered to be rare based on population cohorts in the Genome Aggregation Database (gnomAD). This alteration is expected to result in loss of function by premature protein truncation or nonsense-mediated mRNA decay. As such, this alteration is interpreted as a disease-causing mutation.

Quest Diagnostics Nichols Institute San Juan Capistrano
Classification: Likely pathogenic. Last evaluated: 2025-02-07. Review status: criteria provided, single submitter. Criteria: Quest Diagnostics criteria. Collection method: clinical testing. Allele origin: unknown.
Comment: The MSH6 c.3654_3657del (p.Thr1219Glnfs*8) variant alters the translational reading frame of the MSH6 mRNA and is predicted to cause the premature termination of MSH6 protein synthesis. This variant has not been reported in individuals with MSH6-related conditions in the published literature. This variant has not been reported in large, multi-ethnic general populations (Genome Aggregation Database). Based on the available information, this variant is classified as likely pathogenic.

All of Us Research Program, National Institutes of Health
Classification: Pathogenic for Lynch syndrome. Last evaluated: 2023-12-18. Review status: criteria provided, single submitter. Criteria: ACMG Guidelines, 2015. Collection method: clinical testing. Allele origin: germline. Inheritance: Autosomal dominant inheritance. Observed: 1 variant allele, 1 heterozygote.
Comment: This variant deletes 4 nucleotides in exon 8 of the MSH6 gene, creating a frameshift and premature translation stop signal. This variant is expected to result in an absent or non-functional protein product. To our knowledge, this variant has not been reported in individuals affected with MSH6-related disorders in the literature. This variant has not been identified in the general population by the Genome Aggregation Database (gnomAD). Loss of MSH6 function is a known mechanism of disease. Based on the available evidence, this variant is classified as Pathogenic.

This study involves interpretation of variants in research participants for the purpose of population health screening. Participant phenotype was not available at the time of variant classification. Additional details can be found in publication PMID: 35346344, PMCID: PMC8962531

Literature cited by the submitters: PubMed 18269114 (cited by Labcorp Genetics (formerly Invitae), Labcorp); PubMed 24362816 (cited by Labcorp Genetics (formerly Invitae), Labcorp).